The following is an entry in ClinVar:

NM_000443.4(ABCB4):c.932C>A (p.Ser311Ter)

Gene: ABCB4 (ATP binding cassette subfamily B member 4; minus strand). Cytogenetic location: 7q21.12.
Variant type: single nucleotide variant.
Coding change: c.932C>A on transcript NM_000443.4 (MANE Select); coding-DNA position 932, C replaced by A.
Protein change: p.Ser311Ter; replaces serine 311 with a stop codon.
Molecular consequence: nonsense.
Genome position (GRCh38, 1-based): chr7:87,447,107, G>T on the plus strand (C>A on the coding strand, the complement: ABCB4 is on the minus strand). VCF-style: chr7-87447107-G-T. GRCh37 (hg19) VCF-style: chr7-87076423-G-T.
Other names: c.932C>A, p.Ser311Ter (NM_018849.3, NM_018850.3); short protein forms S311*.
Identifiers: ClinVar variation 595571 (VCV000595571.6), dbSNP rs1562983272, ClinGen allele CA368048633.
Genomic context (GRCh38, chr7:87,447,107, plus strand): 5'-CCAATAGTATATTCTTTTGATATGACTAGAGTGGATCCATACCAGAAGGCCAGTGCATAT[G>T]ATGCATATATTAACAGGAAGGCAATACCCATGGAAATGTTTGCTGAAATAGCTTTTTTAA-3'

ClinVar aggregate classification (germline): Pathogenic. Review status: criteria provided, multiple submitters, no conflicts (2 of 4 stars). 2 submissions from 2 submitters: Pathogenic (2). Last evaluated 2025-03-19.

Submissions (2):

Labcorp Genetics (formerly Invitae), Labcorp
Classification: Pathogenic. Last evaluated: 2025-03-19. Review status: criteria provided, single submitter. Criteria: Invitae Variant Classification Sherloc (09022015). Collection method: clinical testing. Allele origin: germline.
Comment: This sequence change creates a premature translational stop signal (p.Ser311*) in the ABCB4 gene. It is expected to result in an absent or disrupted protein product. Loss-of-function variants in ABCB4 are known to be pathogenic (PMID: 17726488, 25755532). This variant is not present in population databases (gnomAD no frequency). This variant has not been reported in the literature in individuals affected with ABCB4-related conditions. ClinVar contains an entry for this variant (Variation ID: 595571). Algorithms developed to predict the effect of sequence changes on RNA splicing suggest that this variant may disrupt the consensus splice site. For these reasons, this variant has been classified as Pathogenic.

Eurofins Ntd Llc (ga)
Classification: Pathogenic. Last evaluated: 2017-12-26. Review status: criteria provided, single submitter. Criteria: EGL Classification Definitions 2015. Collection method: clinical testing. Allele origin: germline. Observed: 1 variant allele, 1 heterozygote.

Literature cited by the submitters: PubMed 17726488 (cited by Labcorp Genetics (formerly Invitae), Labcorp); PubMed 25755532 (cited by Labcorp Genetics (formerly Invitae), Labcorp).